The following is an entry in ClinVar:

NM_004204.5(PIGQ):c.1675G>A (p.Ala559Thr)

Gene: PIGQ (phosphatidylinositol glycan anchor biosynthesis class Q; plus strand). Cytogenetic location: 16p13.3.
Variant type: single nucleotide variant.
Coding change: c.1675G>A on transcript NM_004204.5 (MANE Select); coding-DNA position 1675, G replaced by A.
Protein change: p.Ala559Thr; replaces alanine 559 with threonine.
Molecular consequence: missense variant.
Genome position (GRCh38, 1-based): chr16:582,964, G>A. VCF-style: chr16-582964-G-A. GRCh37 (hg19) VCF-style: chr16-632964-G-A.
Other names: c.1613G>A, p.Arg538His (NM_148920.4); c.1613G>A (NM_148920.1); short protein forms A559T, R538H.
Identifiers: ClinVar variation 575291 (VCV000575291.6), dbSNP rs202068219, ClinGen allele CA7780508.

ClinVar aggregate classification (germline): Uncertain significance. Review status: criteria provided, multiple submitters, no conflicts (2 of 4 stars). 2 submissions from 2 submitters: Uncertain significance (2). Last evaluated 2024-01-24.

Conditions:
Inborn genetic diseases. Identifiers: MedGen C0950123, MeSH D030342.
Epilepsy. Also called: Seizure disorder. Identifiers: MedGen C0014544, MeSH D004827, MONDO:0005027.

Allele frequency attached by ClinVar (database versions not stated): ExAC 0.00010; gnomAD 0.00010 and 0.00011; gnomAD exomes 0.00011 and 0.00013; TOPMed 0.00011; ESP Exome Variant Server 0.00015; 1000 Genomes Project 30x 0.00031; 1000 Genomes Project 0.00040.
gnomAD v4.1: 172 of 1,613,038 alleles (0.011%); highest among the groups gnomAD compares: East Asian, 0.096%; no homozygotes.

Submissions (2):

Labcorp Genetics (formerly Invitae), Labcorp
Classification: Uncertain significance for Epilepsy. Last evaluated: 2024-01-24. Review status: criteria provided, single submitter. Criteria: Invitae Variant Classification Sherloc (09022015). Collection method: clinical testing. Allele origin: germline.
Comment: This sequence change replaces alanine, which is neutral and non-polar, with threonine, which is neutral and polar, at codon 559 of the PIGQ protein (p.Ala559Thr). This variant is present in population databases (rs202068219, gnomAD 0.09%). This variant has not been reported in the literature in individuals affected with PIGQ-related conditions. ClinVar contains an entry for this variant (Variation ID: 575291). An algorithm developed to predict the effect of missense changes on protein structure and function (PolyPhen-2) suggests that this variant¬†is likely to be tolerated. In summary, the available evidence is currently insufficient to determine the role of this variant in disease. Therefore, it has been classified as a Variant of Uncertain Significance.

Ambry Genetics
Classification: Uncertain significance for Inborn genetic diseases. Last evaluated: 2023-05-23. Review status: criteria provided, single submitter. Criteria: Ambry Variant Classification Scheme 2023. Collection method: clinical testing. Allele origin: germline.